The following is an entry in ClinVar:

ClinVar aggregate classification (germline): Uncertain significance (1 of 4 stars; one submission).

Conditions:
Cardiovascular phenotype. Identifiers: MedGen CN230736.

Allele frequency attached by ClinVar (database versions not stated): TOPMed below 0.00001; ExAC 0.00001; gnomAD 0.00001.

Submission:

Ambry Genetics
Classification: Uncertain significance for Cardiovascular phenotype. Last evaluated: 2024-02-16. Review status: criteria provided, single submitter. Criteria: Ambry Variant Classification Scheme 2023. Collection method: clinical testing. Allele origin: germline.
Comment: The p.D169N variant (also known as c.505G>A), located in coding exon 4 of the LCAT gene, results from a G to A substitution at nucleotide position 505. The aspartic acid at codon 169 is replaced by asparagine, an amino acid with highly similar properties. This amino acid position is conserved. In addition, this alteration is predicted to be deleterious by in silico analysis. Based on the available evidence, the clinical significance of this alteration remains unclear.

NM_000229.2(LCAT):c.505G>A (p.Asp169Asn)

Gene: LCAT (lecithin-cholesterol acyltransferase; minus strand). Cytogenetic location: 16q22.1.
Variant type: single nucleotide variant.
Coding change: c.505G>A on transcript NM_000229.2 (MANE Select); coding-DNA position 505, G replaced by A.
Protein change: p.Asp169Asn; replaces aspartic acid 169 with asparagine.
Molecular consequence: missense variant.
Genome position (GRCh38, 1-based): chr16:67,942,689, C>T on the plus strand (G>A on the coding strand, the complement: LCAT is on the minus strand). VCF-style: chr16-67942689-C-T. GRCh37 (hg19) VCF-style: chr16-67976592-C-T.
Other names: short protein forms D169N.
Identifiers: ClinVar variation 3230703 (VCV003230703.1), dbSNP rs755096081, ClinGen allele CA8121056.